The following is an entry in ClinVar:

ClinVar aggregate classification (germline): Conflicting classifications of pathogenicity. Review status: criteria provided, conflicting classifications (1 of 4 stars). 6 submissions from 6 submitters: Likely pathogenic (5); Uncertain significance (1). Last evaluated 2026-04-17.

Conditions:
PCNT-related disorder. Also called: PCNT-related condition.
Microcephalic osteodysplastic primordial dwarfism type II (MOPD2). Also called: Microcephalic osteodysplastic primordial dwarfism with tooth abnormalities; MOPD II; OSTEODYSPLASTIC PRIMORDIAL DWARFISM, TYPE II. Identifiers: Orphanet 2637, MedGen C0432246, MONDO:0008872, OMIM 210720.

Allele frequency attached by ClinVar (database versions not stated): ExAC 0.00003; gnomAD 0.00005; gnomAD exomes 0.00006; ESP Exome Variant Server 0.00008; TOPMed 0.00011.
gnomAD v4.1: 96 of 1,613,896 alleles (0.0059%); highest among the groups gnomAD compares: Non-Finnish European, 0.0077%; no homozygotes.

Submissions (7):

PreventionGenetics, part of Exact Sciences
Classification: Likely pathogenic for PCNT-related condition. Last evaluated: 2026-04-17. Review status: criteria provided, single submitter. Criteria: ACMG Guidelines, 2015. Collection method: clinical testing. Allele origin: germline.
Comment: The PCNT c.9393+1G>A variant is predicted to disrupt the GT donor site and interfere with normal splicing. To our knowledge, this variant has not been reported in the literature. This variant is reported in 0.0070% of alleles in individuals of European (Non-Finnish) descent in gnomAD. Variants that disrupt the consensus splice donor site in PCNT are expected to be pathogenic. This variant is interpreted as likely pathogenic.

Labcorp Genetics (formerly Invitae), Labcorp
Classification: Likely pathogenic. Last evaluated: 2025-05-25. Review status: criteria provided, single submitter. Criteria: Invitae Variant Classification Sherloc (09022015). Collection method: clinical testing. Allele origin: germline.
Comment: This sequence change affects a donor splice site in intron 42 of the PCNT gene. It is expected to disrupt RNA splicing. Variants that disrupt the donor or acceptor splice site typically lead to a loss of protein function (PMID: 16199547), and loss-of-function variants in PCNT are known to be pathogenic (PMID: 18174396, 22821869). This variant is present in population databases (rs369066052, gnomAD 0.006%). This variant has not been reported in the literature in individuals affected with PCNT-related conditions. ClinVar contains an entry for this variant (Variation ID: 1806717). Algorithms developed to predict the effect of sequence changes on RNA splicing suggest that this variant may disrupt the consensus splice site. In summary, the currently available evidence indicates that the variant is pathogenic, but additional data are needed to prove that conclusively. Therefore, this variant has been classified as Likely Pathogenic.

Blueprint Genetics
Classification: Uncertain significance. Last evaluated: 2024-09-12. Review status: criteria provided, single submitter. Criteria: ACMG Guidelines, 2015. Collection method: clinical testing. Allele origin: germline.

Women's Health and Genetics/Laboratory Corporation of America, LabCorp
Classification: Likely pathogenic for Microcephalic osteodysplastic primordial dwarfism type II. Last evaluated: 2023-12-18. Review status: criteria provided, single submitter. Criteria: LabCorp Variant Classification Summary - May 2015. Collection method: clinical testing. Allele origin: germline.
Comment: Variant summary: PCNT c.9393+1G>A is located in a canonical splice-site and is predicted to affect mRNA splicing resulting in a significantly altered protein due to either exon skipping, shortening, or inclusion of intronic material. Several computational tools predict a significant impact on normal splicing: Four predict the variant abolishes a 5' splicing donor site. However, these predictions have yet to be confirmed by functional studies. The variant allele was found at a frequency of 4e-05 in 250424 control chromosomes. This frequency is not significantly higher than estimated for a pathogenic variant in PCNT causing Microcephalic Osteodysplastic Primordial Dwarfism Type II, allowing no conclusion about variant significance. To our knowledge, no occurrence of c.9393+1G>A in individuals affected with Microcephalic Osteodysplastic Primordial Dwarfism Type II and no experimental evidence demonstrating its impact on protein function have been reported. Three submitters have cited clinical-significance assessments for this variant to ClinVar after 2014; all submitters classified the variant as likely pathogenic. Based on the evidence outlined above, the variant was classified as likely pathogenic.

CeGaT Center for Human Genetics Tuebingen
Classification: Likely pathogenic. Last evaluated: 2023-07-01. Review status: criteria provided, single submitter. Criteria: CeGaT Center For Human Genetics Tuebingen Variant Classification Criteria Version 2. Collection method: clinical testing. Allele origin: germline. Affected: yes. Observed: 1 variant allele.
Comment: PCNT: PVS1, PM2:Supporting

GeneDx
Classification: Likely pathogenic. Last evaluated: 2022-12-20. Review status: criteria provided, single submitter. Criteria: GeneDx Variant Classification Process June 2021. Collection method: clinical testing. Allele origin: germline. Affected: yes.
Comment: Canonical splice site variant expected to result in aberrant splicing, although in the absence of functional evidence the actual effect of this sequence change is unknown.; Not observed at a significant frequency in large population cohorts (gnomAD); Has not been previously published as pathogenic or benign to our knowledge

Dr. Peter K. Rogan Lab, Western University
No classification provided (evidence only). Condition: Familial cancer of breast. Review status: no classification provided. Collection method: in vitro. Allele origin: not applicable. Functional consequence: skipped exon, retained intron. Not counted in ClinVar's aggregate classification.

Literature cited by the submitters: PubMed 16199547 (cited by Labcorp Genetics (formerly Invitae), Labcorp); PubMed 18174396 (cited by Labcorp Genetics (formerly Invitae), Labcorp); PubMed 22821869 (cited by Labcorp Genetics (formerly Invitae), Labcorp).

NM_006031.6(PCNT):c.9393+1G>A

Gene: PCNT (pericentrin; plus strand). Cytogenetic location: 21q22.3.
Variant type: single nucleotide variant.
Coding change: c.9393+1G>A on transcript NM_006031.6 (MANE Select); the canonical splice donor site of the intron after coding-DNA position 9393, G replaced by A.
Molecular consequence: splice donor variant.
Genome position (GRCh38, 1-based): chr21:46,440,203, G>A. VCF-style: chr21-46440203-G-A. GRCh37 (hg19) VCF-style: chr21-47860116-G-A.
Other names: c.9393+1G>A (NM_006031.5); c.8802+1G>A (NM_001315529.2).
Identifiers: ClinVar variation 1806717 (VCV001806717.33), dbSNP rs369066052, ClinGen allele CA10081308.
Genomic context (GRCh38, chr21:46,440,203, plus strand): 5'-CCAGACCCCGGCCGGCTTCCACCAGCTGCCAGCGAGGAAGCACACACCAGCAATGTCAAG[G>A]TAGGAACGGTGCCACGAGTATAGAACTTTGGTGCTTTTTTAAGTCCTGGGTTTGCAAATT-3'